The following is an entry in ClinVar:

ClinVar aggregate classification (germline): Uncertain significance. Review status: criteria provided, multiple submitters, no conflicts (2 of 4 stars). 2 submissions from 2 submitters: Uncertain significance (2). Last evaluated 2024-04-04.

gnomAD v4.1: 4 of 1,614,164 alleles (0.00025%); highest among the groups gnomAD compares: Non-Finnish European, 0.00034%; no homozygotes.

Submissions (2):

Blueprint Genetics
Classification: Uncertain significance. Last evaluated: 2024-04-04. Review status: criteria provided, single submitter. Criteria: ACMG Guidelines, 2015. Collection method: clinical testing. Allele origin: germline.

Labcorp Genetics (formerly Invitae), Labcorp
Classification: Uncertain significance. Last evaluated: 2024-02-14. Review status: criteria provided, single submitter. Criteria: Invitae Variant Classification Sherloc (09022015). Collection method: clinical testing. Allele origin: germline.
Comment: This sequence change replaces histidine, which is basic and polar, with glutamine, which is neutral and polar, at codon 106 of the VCAN protein (p.His106Gln). This variant is not present in population databases (gnomAD no frequency). This variant has not been reported in the literature in individuals affected with VCAN-related conditions. Algorithms developed to predict the effect of missense changes on protein structure and function output the following: SIFT: "Not Available"; PolyPhen-2: "Benign"; Align-GVGD: "Not Available". The glutamine amino acid residue is found in multiple mammalian species, which suggests that this missense change does not adversely affect protein function. In summary, the available evidence is currently insufficient to determine the role of this variant in disease. Therefore, it has been classified as a Variant of Uncertain Significance.

NM_004385.5(VCAN):c.318T>A (p.His106Gln)

Gene: VCAN (versican; plus strand). Cytogenetic location: 5q14.2.
Variant type: single nucleotide variant.
Coding change: c.318T>A on transcript NM_004385.5 (MANE Select); coding-DNA position 318, T replaced by A.
Protein change: p.His106Gln; replaces histidine 106 with glutamine.
Molecular consequence: missense variant.
Genome position (GRCh38, 1-based): chr5:83,490,345, T>A. VCF-style: chr5-83490345-T-A. GRCh37 (hg19) VCF-style: chr5-82786164-T-A.
Other names: c.318T>A, p.His106Gln (NM_001126336.3, NM_001164097.2, NM_001164098.2); short protein forms H106Q.
Identifiers: ClinVar variation 3686001 (VCV003686001.3).